The following is an entry in ClinVar:

ClinVar aggregate classification (germline): Likely benign. Review status: criteria provided, single submitter (1 of 4 stars). 2 submissions from 2 submitters: Likely benign (1). 1 of the submissions does not count toward it. Last evaluated 2024-12-31.

Conditions:
KSR2-related disorder. Also called: KSR2-related condition.

Allele frequency attached by ClinVar (database versions not stated): ExAC 0.00001; ESP Exome Variant Server 0.00008; gnomAD exomes 0.00003; gnomAD 0.00005; TOPMed 0.00006.
gnomAD v4.1: 47 of 1,613,838 alleles (0.0029%); highest among the groups gnomAD compares: African/African-American, 0.0067%; no homozygotes.

Submissions (2):

Labcorp Genetics (formerly Invitae), Labcorp
Classification: Likely benign. Last evaluated: 2024-12-31. Review status: criteria provided, single submitter. Criteria: Invitae Variant Classification Sherloc (09022015). Collection method: clinical testing. Allele origin: germline.

PreventionGenetics, part of Exact Sciences
Classification: Likely benign for KSR2-related condition. Last evaluated: 2021-01-18. Review status: no assertion criteria provided. Collection method: clinical testing. Allele origin: germline. Not counted in ClinVar's aggregate classification.
Comment: This variant is classified as likely benign based on ACMG/AMP sequence variant interpretation guidelines (Richards et al. 2015 PMID: 25741868, with internal and published modifications).

NM_173598.6(KSR2):c.384C>T (p.Cys128=)

Gene: KSR2 (kinase suppressor of ras 2; minus strand). Cytogenetic location: 12q24.23.
Variant type: single nucleotide variant.
Coding change: c.384C>T on transcript NM_173598.6 (MANE Select); coding-DNA position 384, C replaced by T.
Protein change: p.Cys128=; no amino-acid change (cysteine 128 retained).
Molecular consequence: synonymous variant.
Genome position (GRCh38, 1-based): chr12:117,855,516, G>A on the plus strand (C>T on the coding strand, the complement: KSR2 is on the minus strand). VCF-style: chr12-117855516-G-A. GRCh37 (hg19) VCF-style: chr12-118293321-G-A.
Identifiers: ClinVar variation 3058753 (VCV003058753.4), dbSNP rs371982174, ClinGen allele CA6816356.